The following is an entry in ClinVar:

ClinVar aggregate classification (germline): Pathogenic. Review status: criteria provided, single submitter (1 of 4 stars). 2 submissions from 2 submitters: Pathogenic (1). 1 of the submissions does not count toward it. Last evaluated 2025-10-03.

Conditions:
Spongy degeneration of central nervous system. Also called: Canavan disease; Von Bogaert-Bertrand disease; ACY2 DEFICIENCY; AMINOACYLASE 2 DEFICIENCY; ASP DEFICIENCY; ASPA DEFICIENCY. Identifiers: Orphanet 141, MedGen C0206307, MONDO:0010079, OMIM 271900.

Submissions (2):

Natera, Inc.
Classification: Pathogenic for Canavan Disease. Last evaluated: 2025-10-03. Review status: criteria provided, single submitter. Criteria: Natera Variant Classification Schema (03/2026). Collection method: clinical testing. Allele origin: germline.
Comment: The c.237-1G>A variant in ASPA is a canonical splice acceptor site variant predicted to affect pre-mRNA splicing, which may result in an abnormal transcript and altered protein product. This variant is expected to result in nonsense mediated decay, truncation, or a dysfunctional protein product. This variant is rare in the general population with a frequency below the threshold expected for the associated phenotype(s). This variant has been observed in one or more individuals affected with the associated recessive disease, as either homozygous or compound heterozygous with a second variant (PMID: 32964447). Another variant at this same site results in an alteration predicted to cause a similar molecular effect has been observed in individual(s) with the associated phenotype. Given the available evidence, this variant is classified as Pathogenic.

Counsyl
Classification: Likely pathogenic for Spongy degeneration of central nervous system. Last evaluated: 2017-07-31. Review status: no assertion criteria provided. Collection method: clinical testing. Allele origin: unknown. Not counted in ClinVar's aggregate classification.

Literature cited by the submitters: PubMed 32964447 (cited by Natera, Inc.).

NM_000049.4(ASPA):c.237-1G>A

Genes: SPATA22 (spermatogenesis associated 22; minus strand), ASPA (aspartoacylase; plus strand). Cytogenetic location: 17p13.2.
Variant type: single nucleotide variant.
Coding change: c.237-1G>A on transcript NM_000049.4 (MANE Select); the canonical splice acceptor site of the intron before coding-DNA position 237, G replaced by A.
Molecular consequence: splice acceptor variant. On other transcripts: intron variant (2).
Genome position (GRCh38, 1-based): chr17:3,481,602, G>A. VCF-style: chr17-3481602-G-A. GRCh37 (hg19) VCF-style: chr17-3384896-G-A.
Other names: c.-73-12204C>T (NM_001321336.2, NM_001321337.2); c.237-1G>A (NM_001128085.1).
Identifiers: ClinVar variation 553166 (VCV000553166.4), dbSNP rs1057517291, ClinGen allele CA397682045.